The following is an entry in ClinVar:

ClinVar aggregate classification (germline): Likely benign. Review status: criteria provided, multiple submitters, no conflicts (2 of 4 stars). 5 submissions from 5 submitters: Likely benign (4). 1 of the submissions does not count toward it. Last evaluated 2026-07-01.

Conditions:
Mitochondrial trifunctional protein deficiency. Identifiers: Orphanet 746, MedGen C1969443, MONDO:0012172.
Long chain 3-hydroxyacyl-CoA dehydrogenase deficiency. Also called: Deficiency of long-chain 3-hydroxyacyl-coenzyme A dehydrogenase; LCHAD Deficiency. Identifiers: Orphanet 5, MedGen C3711645, MONDO:0012173, OMIM 609016.
HADHA-related disorder. Also called: HADHA-related condition; HADHA-related disorders.

Allele frequency attached by ClinVar (database versions not stated): gnomAD exomes below 0.00001; gnomAD 0.00006 and 0.00008; TOPMed 0.00013.
gnomAD v4.1: 13 of 1,608,382 alleles (0.00081%); highest among the groups gnomAD compares: Middle Eastern, 0.017%; no homozygotes.

Submissions (5):

CeGaT Center for Human Genetics Tuebingen
Classification: Likely benign. Last evaluated: 2026-07-01. Review status: criteria provided, single submitter. Criteria: CeGaT Center For Human Genetics Tuebingen Variant Classification Criteria Version 2. Collection method: clinical testing. Allele origin: germline. Affected: yes. Observed: 1 variant allele.
Comment: HADHA: BP4, BP7

Labcorp Genetics (formerly Invitae), Labcorp
Classification: Likely benign for Mitochondrial trifunctional protein deficiency; Long chain 3-hydroxyacyl-CoA dehydrogenase deficiency. Last evaluated: 2025-07-27. Review status: criteria provided, single submitter. Criteria: Invitae Variant Classification Sherloc (09022015). Collection method: clinical testing. Allele origin: germline.

Blueprint Genetics
Classification: Likely benign. Last evaluated: 2021-02-16. Review status: criteria provided, single submitter. Criteria: ACMG Guidelines, 2015. Collection method: clinical testing. Allele origin: germline.

Breakthrough Genomics
Classification: Likely benign. Review status: criteria provided, single submitter. Criteria: ACMG Guidelines, 2015. Collection method: not provided. Allele origin: germline. Inheritance: Autosomal recessive inheritance. Affected: yes.

PreventionGenetics, part of Exact Sciences
Classification: Likely benign for HADHA-related condition. Last evaluated: 2019-10-01. Review status: no assertion criteria provided. Collection method: clinical testing. Allele origin: germline. Not counted in ClinVar's aggregate classification.
Comment: This variant is classified as likely benign based on ACMG/AMP sequence variant interpretation guidelines (Richards et al. 2015 PMID: 25741868, with internal and published modifications).

NM_000182.5(HADHA):c.1629T>C (p.Pro543=)

Genes: HADHA (hydroxyacyl-CoA dehydrogenase trifunctional multienzyme complex subunit alpha; minus strand), GAREM2 (GRB2 associated regulator of MAPK1 subtype 2; plus strand). Cytogenetic location: 2p23.3.
Variant type: single nucleotide variant.
Coding change: c.1629T>C on transcript NM_000182.5 (MANE Select); coding-DNA position 1629, T replaced by C.
Protein change: p.Pro543=; no amino-acid change (proline 543 retained).
Molecular consequence: synonymous variant.
Genome position (GRCh38, 1-based): chr2:26,194,630, A>G on the plus strand (T>C on the coding strand, the complement: HADHA is on the minus strand). VCF-style: chr2-26194630-A-G. GRCh37 (hg19) VCF-style: chr2-26417499-A-G.
Identifiers: ClinVar variation 703103 (VCV000703103.22), dbSNP rs1056729658, ClinGen allele CA44379482.